The following is an entry in ClinVar:

ClinVar aggregate classification (germline): Uncertain significance (1 of 4 stars; one submission).

Conditions:
Developmental and epileptic encephalopathy, 23 (DEE23). Also called: Epileptic encephalopathy, early infantile, 23. Identifiers: Orphanet 411986, MedGen C4014492, MONDO:0014371, OMIM 615859.

Submission:

Labcorp Genetics (formerly Invitae), Labcorp
Classification: Uncertain significance for Developmental and epileptic encephalopathy, 23. Last evaluated: 2020-08-03. Review status: criteria provided, single submitter. Criteria: Invitae Variant Classification Sherloc (09022015). Collection method: clinical testing. Allele origin: germline.
Comment: In summary, the available evidence is currently insufficient to determine the role of this variant in disease. Therefore, it has been classified as a Variant of Uncertain Significance. Algorithms developed to predict the effect of missense changes on protein structure and function (SIFT, PolyPhen-2, Align-GVGD) all suggest that this variant is likely to be disruptive, but these predictions have not been confirmed by published functional studies and their clinical significance is uncertain. This variant has not been reported in the literature in individuals with DOCK7-related conditions. This variant is not present in population databases (ExAC no frequency). This sequence change replaces serine with phenylalanine at codon 1599 of the DOCK7 protein (p.Ser1599Phe). The serine residue is highly conserved and there is a large physicochemical difference between serine and phenylalanine.

NM_001367561.1(DOCK7):c.4823C>T (p.Ser1608Phe)

Gene: DOCK7 (dedicator of cytokinesis 7; minus strand). Cytogenetic location: 1p31.3.
Variant type: single nucleotide variant.
Coding change: c.4823C>T on transcript NM_001367561.1 (MANE Select); coding-DNA position 4823, C replaced by T.
Protein change: p.Ser1608Phe; replaces serine 1608 with phenylalanine.
Molecular consequence: missense variant.
Genome position (GRCh38, 1-based): chr1:62,496,439, G>A on the plus strand (C>T on the coding strand, the complement: DOCK7 is on the minus strand). VCF-style: chr1-62496439-G-A. GRCh37 (hg19) VCF-style: chr1-62962110-G-A.
Other names: c.4796C>T, p.Ser1599Phe (NM_001271999.2, NM_001330614.2); c.4703C>T, p.Ser1568Phe (NM_001272000.2, NM_001272001.2); c.4730C>T, p.Ser1577Phe (NM_033407.4); short protein forms S1568F, S1577F, S1599F, S1608F.
Identifiers: ClinVar variation 1001938 (VCV001001938.9), dbSNP rs1646624560, ClinGen allele CA340614587.
Genomic context (GRCh38, chr1:62,496,439, plus strand): 5'-TCAGCATATGTCAATATAGTCTTTAGAGAACGTCTTAAGAATTCTTCATTAAAATTCTGA[G>A]ATGTGCCCACCAAGGAGGATAGTGACATTGTTACCTGCATTTTAACCCTGGCAAAGTTCT-3'
Protein context (NP_001354490.1, residues 1598-1618): TMSLSSLVGT[Ser1608Phe]QNFNEEFLRR